The following is an entry in ClinVar:

ClinVar aggregate classification (germline): Uncertain significance (1 of 4 stars; one submission).

Conditions:
Perlman syndrome (PRLMNS). Identifiers: Orphanet 2849, MedGen C0796113, MONDO:0009965, OMIM 267000.

Submission:

Labcorp Genetics (formerly Invitae), Labcorp
Classification: Uncertain significance for Perlman syndrome. Last evaluated: 2021-05-09. Review status: criteria provided, single submitter. Criteria: Invitae Variant Classification Sherloc (09022015). Collection method: clinical testing. Allele origin: germline.
Comment: This sequence change replaces histidine with glutamine at codon 526 of the DIS3L2 protein (p.His526Gln). The histidine residue is moderately conserved and there is a small physicochemical difference between histidine and glutamine. This variant is not present in population databases (ExAC no frequency). This variant has not been reported in the literature in individuals with DIS3L2-related conditions. Algorithms developed to predict the effect of missense changes on protein structure and function output the following: SIFT: "Tolerated"; PolyPhen-2: "Benign"; Align-GVGD: "Class C0". The glutamine amino acid residue is found in multiple mammalian species, suggesting that this missense change does not adversely affect protein function. These predictions have not been confirmed by published functional studies and their clinical significance is uncertain. In summary, the available evidence is currently insufficient to determine the role of this variant in disease. Therefore, it has been classified as a Variant of Uncertain Significance.

NM_152383.5(DIS3L2):c.1578C>G (p.His526Gln)

Gene: DIS3L2 (DIS3 like 3'-5' exoribonuclease 2; plus strand). Cytogenetic location: 2q37.1.
Variant type: single nucleotide variant.
Coding change: c.1578C>G on transcript NM_152383.5 (MANE Select); coding-DNA position 1578, C replaced by G.
Protein change: p.His526Gln; replaces histidine 526 with glutamine.
Molecular consequence: missense variant. On other transcripts: non-coding transcript variant (2).
Genome position (GRCh38, 1-based): chr2:232,263,359, C>G. VCF-style: chr2-232263359-C-G. GRCh37 (hg19) VCF-style: chr2-233128069-C-G.
Other names: c.1578C>G, p.His526Gln (NM_001257281.2); short protein forms H526Q.
Identifiers: ClinVar variation 1476391 (VCV001476391.8), dbSNP rs2106281265, ClinGen allele CA350975565.
Genomic context (GRCh38, chr2:232,263,359, plus strand): 5'-GAAAATCCCTGCGAAAGAGCTGCCCCCCATTTCCCCAGAGCATAGCAGCGAGGAGGTACA[C>G]CAGGCCGTCTTGAATCTCCACGGAATTGCCAAGCAGTTACGCCAGCAGCGCTTTGTGGAC-3'
Protein context (NP_689596.4, residues 516-536): ISPEHSSEEV[His526Gln]QAVLNLHGIA